The following is an entry in ClinVar:

ClinVar aggregate classification (germline): Likely benign. Review status: criteria provided, multiple submitters, no conflicts (2 of 4 stars). 2 submissions from 2 submitters: Likely benign (2). Last evaluated 2026-05-17.

Conditions:
SCYL1-related disorder. Also called: SCYL1-related condition.

Allele frequency attached by ClinVar (database versions not stated): ExAC 0.00003; TOPMed 0.00006; ESP Exome Variant Server 0.00008.
gnomAD v4.1: 43 of 1,613,528 alleles (0.0027%); highest among the groups gnomAD compares: Admixed American, 0.02%; no homozygotes.

Submissions (2):

PreventionGenetics, part of Exact Sciences
Classification: Likely benign for SCYL1-related condition. Last evaluated: 2026-05-17. Review status: criteria provided, single submitter. Criteria: ACMG Guidelines, 2015. Collection method: clinical testing. Allele origin: germline.
Comment: This variant is classified as likely benign based on ACMG/AMP sequence variant interpretation guidelines (Richards et al. 2015 PMID: 25741868, with internal and published modifications).

Labcorp Genetics (formerly Invitae), Labcorp
Classification: Likely benign. Last evaluated: 2018-03-29. Review status: criteria provided, single submitter. Criteria: Invitae Variant Classification Sherloc (09022015). Collection method: clinical testing. Allele origin: germline.

NM_020680.4(SCYL1):c.273C>T (p.Val91=)

Gene: SCYL1 (SCY1 like pseudokinase 1; plus strand). Cytogenetic location: 11q13.1.
Variant type: single nucleotide variant.
Coding change: c.273C>T on transcript NM_020680.4 (MANE Select); coding-DNA position 273, C replaced by T.
Protein change: p.Val91=; no amino-acid change (valine 91 retained).
Molecular consequence: synonymous variant.
Genome position (GRCh38, 1-based): chr11:65,525,941, C>T. VCF-style: chr11-65525941-C-T. GRCh37 (hg19) VCF-style: chr11-65293412-C-T.
Other names: c.273C>T, p.Val91= (NM_001048218.2).
Identifiers: ClinVar variation 735368 (VCV000735368.4), dbSNP rs374236882, ClinGen allele CA6099454.